The following is an entry in ClinVar:

NM_000540.3(RYR1):c.7872C>G (p.Arg2624=)

Gene: RYR1 (ryanodine receptor 1; plus strand). Cytogenetic location: 19q13.2.
Variant type: single nucleotide variant.
Coding change: c.7872C>G on transcript NM_000540.3 (MANE Select); coding-DNA position 7872, C replaced by G.
Protein change: p.Arg2624=; no amino-acid change (arginine 2624 retained).
Molecular consequence: synonymous variant.
Genome position (GRCh38, 1-based): chr19:38,502,916, C>G. VCF-style: chr19-38502916-C-G. GRCh37 (hg19) VCF-style: chr19-38993556-C-G.
Other names: c.7872C>G, p.Arg2624= (NM_001042723.2).
Identifiers: ClinVar variation 1357716 (VCV001357716.9), dbSNP rs1469698, ClinGen allele CA308113415.

ClinVar aggregate classification (germline): Likely benign. Review status: criteria provided, multiple submitters, no conflicts (2 of 4 stars). 3 submissions from 3 submitters: Likely benign (3). Last evaluated 2024-02-22.

Conditions:
RYR1-related disorder. Also called: RYR1-related condition; RYR1-related disorders. Identifiers: MedGen CN239331.
Malignant hyperthermia, susceptibility to, 1 (MHS1). Also called: RYR1-Related Malignant Hyperthermia Susceptibility; Malignant hyperthermia suceptibility 1; Anesthesia related hyperthermia; Malignant hyperpyrexia; Fulminating hyperpyrexia; Pharmacogenic myopathy. Identifiers: Orphanet 423, MedGen C2930980, MONDO:0007783, OMIM 145600.

gnomAD v4.1: 12 of 1,611,452 alleles (0.00074%); highest among the groups gnomAD compares: South Asian, 0.0088%; 1 homozygote.

Submissions (3):

All of Us Research Program, National Institutes of Health
Classification: Likely benign for Malignant hyperthermia, susceptibility to, 1. Last evaluated: 2024-02-22. Review status: criteria provided, single submitter. Criteria: ACMG Guidelines, 2015. Collection method: clinical testing. Allele origin: germline. Inheritance: Autosomal dominant inheritance. Observed: 1 variant allele, 1 heterozygote.
Comment: This study involves interpretation of variants in research participants for the purpose of population health screening. Participant phenotype was not available at the time of variant classification. Additional details can be found in publication PMID: 35346344, PMCID: PMC8962531

Labcorp Genetics (formerly Invitae), Labcorp
Classification: Likely benign for RYR1-related disorder. Last evaluated: 2024-01-09. Review status: criteria provided, single submitter. Criteria: Invitae Variant Classification Sherloc (09022015). Collection method: clinical testing. Allele origin: germline.

Color Diagnostics, LLC DBA Color Health
Classification: Likely benign for Malignant hyperthermia, susceptibility to, 1. Last evaluated: 2022-11-06. Review status: criteria provided, single submitter. Criteria: ACMG Guidelines, 2015. Collection method: clinical testing. Allele origin: germline.